The following is an entry in ClinVar:

NM_001005242.3(PKP2):c.92_93insCCGCCCCCGCCCCCGGGCCCGACTGCGCGTGCCCGGCCGGAGCCGCGCCCCCTCCTCAGGGAAGGCCGG (p.Ala31_Leu32insArgProArgProArgAlaArgLeuArgValProGlyArgSerArgAlaProSerSerGlyLysAlaGly)

Gene: PKP2 (plakophilin 2; minus strand). Cytogenetic location: 12p11.21.
Variant type: Insertion.
Coding change: c.92_93insCCGCCCCCGCCCCCGGGCCCGACTGCGCGTGCCCGGCCGGAGCCGCGCCCCCTCCTCAGGGAAGGCCGG on transcript NM_001005242.3 (MANE Select); coding-DNA positions 92 to 93, CCGCCCCCGCCCCCGGGCCCGACTGCGCGTGCCCGGCCGGAGCCGCGCCCCCTCCTCAGGGAAGGCCGG inserted.
Protein change: p.Ala31_Leu32insArgProArgProArgAlaArgLeuArgValProGlyArgSerArgAlaProSerSerGlyLysAlaGly.
Molecular consequence: inframe insertion. On other transcripts: 5 prime UTR variant (4).
Genome position: GRCh38: chr12:32,896,639-32,896,640. GRCh37 (hg19): chr12:33,049,573-33,049,574.
Other names: c.92_93insCCGCCCCCGCCCCCGGGCCCGACTGCGCGTGCCCGGCCGGAGCCGCGCCCCCTCCTCAGGGAAGGCCGG, p.Ala31_Leu32insArgProArgProArgAlaArgLeuArgValProGlyArgSerArgAlaProSerSerGlyLysAlaGly (NM_001407155.1, NM_001407156.1, NM_001407157.1 and 2 more transcripts); c.-735_-734insCCGCCCCCGCCCCCGGGCCCGACTGCGCGTGCCCGGCCGGAGCCGCGCCCCCTCCTCAGGGAAGGCCGG (NM_001407158.1, NM_001407162.1); c.-499_-498insCCGCCCCCGCCCCCGGGCCCGACTGCGCGTGCCCGGCCGGAGCCGCGCCCCCTCCTCAGGGAAGGCCGG (NM_001407159.1, NM_001407160.1).
Identifiers: ClinVar variation 2764962 (VCV002764962.3), dbSNP rs2541384790, ClinGen allele CA2697559161.

ClinVar aggregate classification (germline): Uncertain significance (1 of 4 stars; one submission).

Conditions:
Arrhythmogenic right ventricular dysplasia 9 (ARVD9). Also called: Arrhythmogenic Right Ventricular Dysplasia/Cardiomyopathy 9; ARRHYTHMOGENIC RIGHT VENTRICULAR DYSPLASIA, FAMILIAL, 9. Identifiers: MedGen C1836906, MONDO:0012180, OMIM 609040.

Submission:

Labcorp Genetics (formerly Invitae), Labcorp
Classification: Uncertain significance for Arrhythmogenic right ventricular dysplasia 9. Last evaluated: 2023-10-04. Review status: criteria provided, single submitter. Criteria: Invitae Variant Classification Sherloc (09022015). Collection method: clinical testing. Allele origin: germline.
Comment: This variant, c.92_93ins69, results in the insertion of 23 amino acid(s) of the PKP2 protein (p.Ala31_Leu32ins23), but otherwise preserves the integrity of the reading frame. This variant is not present in population databases (gnomAD no frequency). This variant has not been reported in the literature in individuals affected with PKP2-related conditions. Experimental studies and prediction algorithms are not available or were not evaluated, and the functional significance of this variant is currently unknown. In summary, the available evidence is currently insufficient to determine the role of this variant in disease. Therefore, it has been classified as a Variant of Uncertain Significance.